The following is an entry in ClinVar:

ClinVar aggregate classification (germline): Conflicting classifications of pathogenicity. Review status: criteria provided, conflicting classifications (1 of 4 stars). 6 submissions from 6 submitters: Uncertain significance (1); Likely benign (4). 1 of the submissions does not count toward it. Last evaluated 2026-01-24.

Conditions:
GRIP1-related disorder. Also called: GRIP1-related condition.
Fraser syndrome 3. Identifiers: MedGen C4540040, MONDO:0054739, OMIM 617667.

Allele frequency attached by ClinVar (database versions not stated): 1000 Genomes Project 30x 0.00016; 1000 Genomes Project 0.00020; ESP Exome Variant Server 0.00090; TOPMed 0.00105; gnomAD 0.00145 and 0.00148; gnomAD exomes 0.00150; ExAC 0.00174.
gnomAD v4.1: 2,235 of 1,614,166 alleles (0.14%); highest among the groups gnomAD compares: Middle Eastern, 0.21%; 6 homozygotes.

Submissions (6):

Labcorp Genetics (formerly Invitae), Labcorp
Classification: Likely benign. Last evaluated: 2026-01-24. Review status: criteria provided, single submitter. Criteria: Invitae Variant Classification Sherloc (09022015). Collection method: clinical testing. Allele origin: germline.

Blueprint Genetics
Classification: Likely benign. Last evaluated: 2024-11-24. Review status: criteria provided, single submitter. Criteria: ACMG Guidelines, 2015. Collection method: clinical testing. Allele origin: germline.

CeGaT Center for Human Genetics Tuebingen
Classification: Likely benign. Last evaluated: 2024-09-01. Review status: criteria provided, single submitter. Criteria: CeGaT Center For Human Genetics Tuebingen Variant Classification Criteria Version 2. Collection method: clinical testing. Allele origin: germline. Affected: yes. Observed: 1 variant allele.
Comment: GRIP1: BS2

Illumina Laboratory Services, Illumina
Classification: Likely benign for Fraser syndrome 3. Last evaluated: 2017-04-27. Review status: criteria provided, single submitter. Criteria: ICSL Variant Classification Criteria 13 December 2019. Collection method: clinical testing. Allele origin: germline.
Comment: This variant was observed as part of a predisposition screen in an ostensibly healthy population. A literature search was performed for the gene, cDNA change, and amino acid change (where applicable). Publications were found based on this search. The evidence from the literature, in combination with allele frequency data from public databases where available, was sufficient to determine this variant is unlikely to cause disease. Therefore, this variant is classified as likely benign.

GeneDx
Classification: Uncertain significance. Last evaluated: 2017-01-27. Review status: criteria provided, single submitter. Criteria: GeneDx Variant Classification (06012015). Collection method: clinical testing. Allele origin: germline. Affected: yes.
Comment: While not present in the homozygous state, the NHLBI ESP Exome Sequencing Project reports I497V was observed in 0.12% (10/8290) alleles from individuals of European American background, indicating it may be a rare variant in this population. The I497V variant is a conservative amino acid substitution, which is not likely to impact secondary protein structure as these residues share similar properties. This substitution occurs at a position where amino acids with similar properties to Isoleucine are tolerated across species. In silico analysis is inconsistent in its predictions as to whether or not the variant is damaging to the protein structure/function. We interpret I497V as a variant of uncertain significance.

PreventionGenetics, part of Exact Sciences
Classification: Likely benign for GRIP1-related condition. Last evaluated: 2022-10-24. Review status: no assertion criteria provided. Collection method: clinical testing. Allele origin: germline. Not counted in ClinVar's aggregate classification.
Comment: This variant is classified as likely benign based on ACMG/AMP sequence variant interpretation guidelines (Richards et al. 2015 PMID: 25741868, with internal and published modifications).

Literature cited by the submitters: PubMed 21383172 (cited by Illumina Laboratory Services, Illumina).

NM_001366722.1(GRIP1):c.1645A>G (p.Ile549Val)

Gene: GRIP1 (glutamate receptor interacting protein 1; minus strand). Cytogenetic location: 12q14.3.
Variant type: single nucleotide variant.
Coding change: c.1645A>G on transcript NM_001366722.1 (MANE Select); coding-DNA position 1645, A replaced by G.
Protein change: p.Ile549Val; replaces isoleucine 549 with valine.
Molecular consequence: missense variant.
Genome position (GRCh38, 1-based): chr12:66,444,626, T>C on the plus strand (A>G on the coding strand, the complement: GRIP1 is on the minus strand). VCF-style: chr12-66444626-T-C. GRCh37 (hg19) VCF-style: chr12-66838406-T-C.
Other names: c.1489A>G, p.Ile497Val (NM_001178074.2, NM_021150.4); c.1564A>G, p.Ile522Val (NM_001366723.1); c.1567A>G, p.Ile523Val (NM_001366724.1); short protein forms I497V, I523V, I549V, I522V.
Identifiers: ClinVar variation 381678 (VCV000381678.30), dbSNP rs201867922, ClinGen allele CA6674335.